The following is an entry in ClinVar:

ClinVar aggregate classification (germline): Uncertain significance (0 of 4 stars; one submission).

Conditions:
HLTF-related disorder. Also called: HLTF-related condition.

Allele frequency attached by ClinVar (database versions not stated): ExAC 0.00001.
gnomAD v4.1: 9 of 1,585,230 alleles (0.00057%); highest among the groups gnomAD compares: Admixed American, 0.0017%; no homozygotes.

Submission:

PreventionGenetics, part of Exact Sciences
Classification: Uncertain significance for HLTF-related condition. Last evaluated: 2023-12-08. Review status: no assertion criteria provided. Collection method: clinical testing. Allele origin: germline.
Comment: The HLTF c.1151G>A variant is predicted to result in the amino acid substitution p.Arg384His. To our knowledge, this variant has not been reported in the literature. This variant is reported in 0.0062% of alleles in individuals of African descent in gnomAD. At this time, the clinical significance of this variant is uncertain due to the absence of conclusive functional and genetic evidence.

NM_003071.4(HLTF):c.1151G>A (p.Arg384His)

Gene: HLTF (helicase like transcription factor; minus strand). Cytogenetic location: 3q24.
Variant type: single nucleotide variant.
Coding change: c.1151G>A on transcript NM_003071.4 (MANE Select); coding-DNA position 1151, G replaced by A.
Protein change: p.Arg384His; replaces arginine 384 with histidine.
Molecular consequence: missense variant.
Genome position (GRCh38, 1-based): chr3:149,063,440, C>T on the plus strand (G>A on the coding strand, the complement: HLTF is on the minus strand). VCF-style: chr3-149063440-C-T. GRCh37 (hg19) VCF-style: chr3-148781227-C-T.
Other names: c.1151G>A, p.Arg384His (NM_001318934.2, NM_001318935.2, NM_139048.3); short protein forms R384H.
Identifiers: ClinVar variation 3053768 (VCV003053768.2), dbSNP rs773811328, ClinGen allele CA2659348.
Genomic context (GRCh38, chr3:149,063,440, plus strand): 5'-GAAAACAGAGTCTAAATAAACATATGACATAATCAAACCATAATAGTTTACCTTTTGGGG[C>T]GGGAGCTAGACAATTCTGACATGCGAAACTTACTCTTCTCCTTGATATCTGAAATACTGG-3'
Protein context (NP_003062.2, residues 374-394): KFRMSELSSS[Arg384His]PKRRKTAVQY